The following is an entry in ClinVar:

ClinVar aggregate classification (germline): Likely benign (1 of 4 stars; one submission).

Conditions:
Familial hypercholesterolemia. Also called: Familial hypercholesterolaemia. Identifiers: MedGen C0020445, MONDO:0005439.

Submission:

GENinCode PLC
Classification: Likely benign for Familial hypercholesterolemia. Last evaluated: 2024-08-21. Review status: criteria provided, single submitter. Criteria: ACMG Guidelines, 2015. Collection method: clinical testing. Allele origin: germline.
Comment: This is a synonymous (silent) variant that is not predicted by SpliceAI to impact splicing. In addition, it occurs at a nucleotide that is not conserved. Therefore this variant has been classified as Likely Benign (BP4, BP7).

NM_000384.3(APOB):c.555C>T (p.Asn185=)

Gene: APOB (apolipoprotein B; minus strand). Cytogenetic location: 2p24.1.
Variant type: single nucleotide variant.
Coding change: c.555C>T on transcript NM_000384.3 (MANE Select); coding-DNA position 555, C replaced by T.
Protein change: p.Asn185=; no amino-acid change (asparagine 185 retained).
Molecular consequence: synonymous variant.
Genome position (GRCh38, 1-based): chr2:21,037,238, G>A on the plus strand (C>T on the coding strand, the complement: APOB is on the minus strand). VCF-style: chr2-21037238-G-A. GRCh37 (hg19) VCF-style: chr2-21260110-G-A.
Identifiers: ClinVar variation 3392993 (VCV003392993.1).